The following is an entry in ClinVar:

ClinVar aggregate classification (germline): Benign. Review status: criteria provided, multiple submitters, no conflicts (2 of 4 stars). 3 submissions from 3 submitters: Benign (2). 1 of the submissions does not count toward it. Last evaluated 2025-12-12.

Conditions:
SH2B1-related disorder. Also called: SH2B1-related condition.

Allele frequency attached by ClinVar (database versions not stated): gnomAD exomes 0.00304 and 0.00437; ESP Exome Variant Server 0.00139; gnomAD 0.00142 and 0.00205; ExAC 0.00417; TOPMed 0.00165; 1000 Genomes Project 0.00339; 1000 Genomes Project 30x 0.00375.
gnomAD v4.1: 4,655 of 1,570,686 alleles (0.3%); highest among the groups gnomAD compares: South Asian, 2.1%; 46 homozygotes.

Submissions (3):

Labcorp Genetics (formerly Invitae), Labcorp
Classification: Benign. Last evaluated: 2025-12-12. Review status: criteria provided, single submitter. Criteria: Invitae Variant Classification Sherloc (09022015). Collection method: clinical testing. Allele origin: germline.

Breakthrough Genomics
Classification: Benign. Review status: criteria provided, single submitter. Criteria: ACMG Guidelines, 2015. Collection method: not provided. Allele origin: germline. Inheritance: Unknown mechanism. Affected: yes.

PreventionGenetics, part of Exact Sciences
Classification: Benign for SH2B1-related condition. Last evaluated: 2019-07-11. Review status: no assertion criteria provided. Collection method: clinical testing. Allele origin: germline. Not counted in ClinVar's aggregate classification.
Comment: This variant is classified as benign based on ACMG/AMP sequence variant interpretation guidelines (Richards et al. 2015 PMID: 25741868, with internal and published modifications).

NM_001387430.1(SH2B1):c.1898-5T>C

Gene: SH2B1 (SH2B adaptor protein 1; plus strand). Cytogenetic location: 16p11.2.
Variant type: single nucleotide variant.
Coding change: c.1898-5T>C on transcript NM_001387430.1 (MANE Select); 5 bases into the intron before coding-DNA position 1898, T replaced by C.
Molecular consequence: intron variant.
Genome position (GRCh38, 1-based): chr16:28,873,442, T>C. VCF-style: chr16-28873442-T-C. GRCh37 (hg19) VCF-style: chr16-28884763-T-C.
Other names: c.1898-5T>C (NM_001308293.2, NM_001387404.1, NM_001145795.2); c.1998-5T>C (NM_015503.3, NM_001145812.2, NM_001145796.2); c.2051-5T>C (NM_001145797.2); c.990-5T>C (NM_001308294.2).
Identifiers: ClinVar variation 771198 (VCV000771198.13), dbSNP rs200470848, ClinGen allele CA7986391.